The following is an entry in ClinVar:

ClinVar aggregate classification (germline): Likely benign (1 of 4 stars; one submission).

Conditions:
CEP170B-related disorder. Also called: CEP170B-related condition.

gnomAD v4.1: 263 of 1,604,674 alleles (0.016%); highest among the groups gnomAD compares: African/African-American, 0.29%; no homozygotes.

Submission:

PreventionGenetics, part of Exact Sciences
Classification: Likely benign for CEP170B-related condition. Last evaluated: 2025-12-10. Review status: criteria provided, single submitter. Criteria: ACMG Guidelines, 2015. Collection method: clinical testing. Allele origin: germline.
Comment: This variant is classified as likely benign based on ACMG/AMP sequence variant interpretation guidelines (Richards et al. 2015 PMID: 25741868, with internal and published modifications).

NM_001112726.3(CEP170B):c.4090G>A (p.Gly1364Ser)

Gene: CEP170B (centrosomal protein 170B; plus strand). Cytogenetic location: 14q32.33.
Variant type: single nucleotide variant.
Coding change: c.4090G>A on transcript NM_001112726.3 (MANE Select); coding-DNA position 4090, G replaced by A.
Protein change: p.Gly1364Ser; replaces glycine 1364 with serine.
Molecular consequence: missense variant.
Genome position (GRCh38, 1-based): chr14:104,893,574, G>A. VCF-style: chr14-104893574-G-A. GRCh37 (hg19) VCF-style: chr14-105359911-G-A.
Other names: c.3985G>A, p.Gly1329Ser (NM_015005.3); short protein forms G1329S, G1364S.
Identifiers: ClinVar variation 4987259 (VCV004987259.1).